The following continues an entry in ClinVar:

NM_000059.4(BRCA2):c.4111C>T (p.Gln1371Ter)

Gene: BRCA2. ClinVar aggregate classification (germline): Pathogenic. Pathogenic (1).

Submissions 10 to 17 of 17:

Color Diagnostics, LLC DBA Color Health
Classification: Pathogenic for Hereditary cancer-predisposing syndrome. Last evaluated: 2021-12-14. Review status: criteria provided, single submitter. Criteria: ACMG Guidelines, 2015. Collection method: clinical testing. Allele origin: germline. Not counted in ClinVar's aggregate classification.
Comment: This variant changes 1 nucleotide in exon 11 of the BRCA2 gene, creating a premature translation stop signal. This variant is expected to result in an absent or non-functional protein product. To our knowledge, functional studies have not been reported for this variant. This variant has been reported in individuals affected with breast cancer (PMID: 25371446) and ovarian cancer (PMID: 22711857). This variant has not been identified in the general population by the Genome Aggregation Database (gnomAD). Loss of BRCA2 function is a known mechanism of disease. Based on the available evidence, this variant is classified as Pathogenic.

Women's Health and Genetics/Laboratory Corporation of America, LabCorp
Classification: Pathogenic for Hereditary breast ovarian cancer syndrome. Last evaluated: 2021-09-20. Review status: criteria provided, single submitter. Criteria: LabCorp Variant Classification Summary - May 2015. Collection method: clinical testing. Allele origin: germline. Not counted in ClinVar's aggregate classification.
Comment: Variant summary: BRCA2 c.4111C>T (p.Gln1371X) results in a premature termination codon, predicted to cause a truncation of the encoded protein or absence of the protein due to nonsense mediated decay, which are commonly known mechanisms for disease. Truncations downstream of this position have been classified as pathogenic by our laboratory. The variant was absent in 248174 control chromosomes. c.4111C>T has been widely reported in the literature in individuals affected with Hereditary Breast And Ovarian Cancer Syndrome (example, Rebbeck_2018). These data indicate that the variant is likely to be associated with disease. To our knowledge, no experimental evidence demonstrating an impact on protein function has been reported. Multiple clinical diagnostic laboratories, an expert panel (ENIGMA) and a consortium (CIMBA) have submitted clinical-significance assessments for this variant to ClinVar after 2014 without evidence for independent evaluation. All submitters classified the variant as pathogenic. Based on the evidence outlined above, the variant was classified as pathogenic.

Department of Molecular Diagnostics, Institute of Oncology Ljubljana
Classification: Pathogenic for Breast-ovarian cancer, familial, susceptibility to, 1. Last evaluated: 2020-04-02. Review status: criteria provided, single submitter. Criteria: ACMG Guidelines, 2015. Collection method: clinical testing. Allele origin: germline. Affected: yes. Not counted in ClinVar's aggregate classification.

Consortium of Investigators of Modifiers of BRCA1/2 (CIMBA), c/o University of Cambridge
Classification: Pathogenic for Breast-ovarian cancer, familial, susceptibility to, 2. Last evaluated: 2015-10-02. Review status: criteria provided, single submitter. Criteria: CIMBA Mutation Classification guidelines May 2016. Collection method: clinical testing. Allele origin: germline. Not counted in ClinVar's aggregate classification.

Research Molecular Genetics Laboratory, Women's College Hospital, University of Toronto
Classification: Pathogenic for Hereditary breast ovarian cancer syndrome. Last evaluated: 2014-01-31. Review status: no assertion criteria provided. Collection method: research. Allele origin: germline. Affected: yes. Study: The Canadian Open Genetics Repository (COGR). Not counted in ClinVar's aggregate classification.

Sharing Clinical Reports Project (SCRP)
Classification: Pathogenic for Breast-ovarian cancer, familial 2. Last evaluated: 2012-01-24. Review status: no assertion criteria provided. Collection method: clinical testing. Allele origin: germline. Not counted in ClinVar's aggregate classification.

Breast Cancer Information Core (BIC) (BRCA2)
Classification: Pathogenic for Breast-ovarian cancer, familial 2. Last evaluated: 1998-02-06. Review status: no assertion criteria provided. Collection method: clinical testing. Allele origin: germline. Affected: yes. Observed: 1 variant allele. Not counted in ClinVar's aggregate classification.

Laboratory of Urology, Hospital Clinic de Barcelona
Classification: Pathogenic for Malignant tumor of urinary bladder. Review status: no assertion criteria provided. Collection method: research. Allele origin: somatic. Affected: yes. Not counted in ClinVar's aggregate classification.

Literature cited by the submitters: PubMed 20104584 (cited by Labcorp Genetics (formerly Invitae), Labcorp); PubMed 25371446 (cited by 6 submitters); PubMed 36367610 (cited by Quest Diagnostics Nichols Institute San Juan Capistrano); PubMed 29446198 (cited by Quest Diagnostics Nichols Institute San Juan Capistrano and Women's Health and Genetics/Laboratory Corporation of America, LabCorp); PubMed 26564481 (cited by Quest Diagnostics Nichols Institute San Juan Capistrano and Women's Health and Genetics/Laboratory Corporation of America, LabCorp); PubMed 17319787 (cited by Quest Diagnostics Nichols Institute San Juan Capistrano); PubMed 26295337 (cited by Quest Diagnostics Nichols Institute San Juan Capistrano); PubMed 22711857 (cited by 3 submitters); PubMed 11056688 (cited by Women's Health and Genetics/Laboratory Corporation of America, LabCorp).